The following is an entry in ClinVar:

NM_000455.5(STK11):c.842C>A (p.Pro281Gln)

Gene: STK11 (serine/threonine kinase 11; plus strand). Cytogenetic location: 19p13.3.
Variant type: single nucleotide variant.
Coding change: c.842C>A on transcript NM_000455.5 (MANE Select); coding-DNA position 842, C replaced by A.
Protein change: p.Pro281Gln; replaces proline 281 with glutamine.
Molecular consequence: missense variant.
Genome position (GRCh38, 1-based): chr19:1,221,320, C>A. VCF-style: chr19-1221320-C-A. GRCh37 (hg19) VCF-style: chr19-1221319-C-A.
Other names: p.P281Q:CCG>CAG; short protein forms P281Q.
Identifiers: ClinVar variation 127705 (VCV000127705.62), dbSNP rs121913322, ClinGen allele CA023302.

ClinVar aggregate classification (germline): Conflicting classifications of pathogenicity. Review status: criteria provided, conflicting classifications (1 of 4 stars). 11 submissions from 11 submitters: Uncertain significance (7); Benign (1); Likely benign (2). 1 of the submissions does not count toward it. Last evaluated 2026-09-14.

Conditions:
STK11-related disorder. Also called: STK11-related condition.
Hereditary cancer-predisposing syndrome. Also called: Neoplastic Syndromes, Hereditary; Tumor predisposition; Hereditary Cancer Syndrome; Hereditary neoplastic syndrome. Identifiers: Orphanet 140162, MedGen C0027672, MeSH D009386, MONDO:0015356.
Carcinoma of pancreas. Also called: PANCREATIC ACINAR CARCINOMA; PANCREATIC CARCINOMA; Pancreatic cancer, somatic; Pancreatic carcinoma, somatic; Exocrine pancreatic carcinoma. Identifiers: Orphanet 1333, Orphanet 217074, MedGen C0235974, MONDO:0005192. Disease mechanism: loss of function.
Peutz-Jeghers syndrome (PJS). Also called: POLYPOSIS, HAMARTOMATOUS INTESTINAL; POLYPS-AND-SPOTS SYNDROME; Peutz-Jeghers polyposis; Periorificial lentiginosis syndrome. Identifiers: Orphanet 2869, MedGen C0031269, MeSH D010580, MONDO:0008280, OMIM 175200.

Allele frequency attached by ClinVar (database versions not stated): TOPMed 0.00002.
gnomAD v4.1: 28 of 1,609,256 alleles (0.0017%); highest among the groups gnomAD compares: Admixed American, 0.0084%; no homozygotes.

Submissions (11):

PreventionGenetics, part of Exact Sciences
Classification: Likely benign for STK11-related condition. Last evaluated: 2026-09-14. Review status: criteria provided, single submitter. Criteria: ACMG Guidelines, 2015. Collection method: clinical testing. Allele origin: germline.
Comment: This variant is classified as likely benign based on ACMG/AMP sequence variant interpretation guidelines (Richards et al. 2015 PMID: 25741868, with internal and published modifications).

Labcorp Genetics (formerly Invitae), Labcorp
Classification: Benign for Peutz-Jeghers syndrome. Last evaluated: 2025-12-08. Review status: criteria provided, single submitter. Criteria: Invitae Variant Classification Sherloc (09022015). Collection method: clinical testing. Allele origin: germline.

Quest Diagnostics Nichols Institute San Juan Capistrano
Classification: Uncertain significance. Last evaluated: 2024-07-12. Review status: criteria provided, single submitter. Criteria: Quest Diagnostics criteria. Collection method: clinical testing. Allele origin: unknown.
Comment: The STK11 c.842C>A (p.Pro281Gln) variant has been identified in the published literature in reportedly healthy individuals (PMID: 31206626 (2019), 30476936 (2019)). The frequency of this variant in the general population, 0.000089 (3/33830 chromosomes in Admixed American subpopulation (Genome Aggregation Database)), is higher than would generally be expected for pathogenic variants in this gene. Analysis of this variant using bioinformatics tools for the prediction of the effect of amino acid changes on protein structure and function yielded predictions that this variant is benign. Based on the available information, we are unable to determine the clinical significance of this variant.

All of Us Research Program, National Institutes of Health
Classification: Uncertain significance for Peutz-Jeghers syndrome. Last evaluated: 2024-05-09. Review status: criteria provided, single submitter. Criteria: ACMG Guidelines, 2015. Collection method: clinical testing. Allele origin: germline. Inheritance: Autosomal dominant inheritance. Observed: 6 variant alleles, 6 heterozygotes.
Comment: This missense variant replaces proline with glutamine at codon 281 of the STK11 protein. Computational prediction suggests that this variant may not impact protein structure and function (internally defined REVEL score threshold <= 0.5, PMID: 27666373). To our knowledge, functional studies have not been reported for this variant. This variant has not been reported in individuals affected with STK11-related disorders in the literature. This variant has been identified in 7/240870 chromosomes in the general population by the Genome Aggregation Database (gnomAD). The available evidence is insufficient to determine the role of this variant in disease conclusively. Therefore, this variant is classified as a Variant of Uncertain Significance.

This study involves interpretation of variants in research participants for the purpose of population health screening. Participant phenotype was not available at the time of variant classification. Additional details can be found in publication PMID: 35346344, PMCID: PMC8962531

Color Diagnostics, LLC DBA Color Health
Classification: Uncertain significance for Hereditary cancer-predisposing syndrome. Last evaluated: 2023-11-15. Review status: criteria provided, single submitter. Criteria: ACMG Guidelines, 2015. Collection method: clinical testing. Allele origin: germline.
Comment: This missense variant replaces proline with glutamine at codon 281 of the STK11 protein. Computational prediction suggests that this variant may not impact protein structure and function (internally defined REVEL score threshold <= 0.5, PMID: 27666373). To our knowledge, functional studies have not been reported for this variant. This variant has not been reported in individuals affected with STK11-related disorders in the literature. This variant has been identified in 7/240870 chromosomes in the general population by the Genome Aggregation Database (gnomAD). The available evidence is insufficient to determine the role of this variant in disease conclusively. Therefore, this variant is classified as a Variant of Uncertain Significance.

GeneDx
Classification: Uncertain significance. Last evaluated: 2023-07-26. Review status: criteria provided, single submitter. Criteria: GeneDx Variant Classification Process June 2021. Collection method: clinical testing. Allele origin: germline. Affected: yes.
Comment: In silico analysis supports that this missense variant does not alter protein structure/function; Has not been previously published as pathogenic or benign to our knowledge; This variant is associated with the following publications: (PMID: 15863673, 37125020)

Ambry Genetics
Classification: Likely benign for Hereditary cancer-predisposing syndrome. Last evaluated: 2021-11-10. Review status: criteria provided, single submitter. Criteria: Ambry Variant Classification Scheme 2023. Collection method: clinical testing. Allele origin: germline.

Genome-Nilou Lab
Classification: Uncertain significance for Peutz-Jeghers syndrome. Last evaluated: 2021-07-15. Review status: criteria provided, single submitter. Criteria: ACMG Guidelines, 2015. Collection method: clinical testing. Allele origin: germline. Affected: no.

Baylor Genetics
Classification: Uncertain significance for Familial pancreatic carcinoma. Last evaluated: 2020-08-27. Review status: criteria provided, single submitter. Criteria: ACMG Guidelines, 2015. Collection method: clinical testing. Allele origin: unknown. Affected: yes. Study: CSER-TexasKidsCanSeq.
Comment: This variant was determined to be of uncertain significance according to ACMG Guidelines, 2015 [PMID:25741868].

ARUP Laboratories, Molecular Genetics and Genomics, ARUP Laboratories
Classification: Uncertain significance. Last evaluated: 2019-12-15. Review status: criteria provided, single submitter. Criteria: ARUP Molecular Germline Variant Investigation Process. Collection method: clinical testing. Allele origin: germline.
Comment: The STK11 c.842C>A; p.Pro281Gln variant (rs121913322), to our knowledge, is not reported in the medical literature but is reported in ClinVar (Variation ID: 127705). This variant is found in the general population with an overall allele frequency of 0.003% (7/240870 alleles) in the Genome Aggregation Database. The proline at codon 281 is moderately conserved, but computational analyses (SIFT, PolyPhen-2) predict that this variant is tolerated. Due to limited information, the clinical significance of this variant is uncertain at this time.

Gharavi Laboratory, Columbia University
Classification: Uncertain significance. Last evaluated: 2018-09-16. Review status: no assertion criteria provided. Criteria: ACMG Guidelines, 2015. Collection method: research. Allele origin: germline. Affected: no. Not counted in ClinVar's aggregate classification.

Literature cited by the submitters: PubMed 31206626 (cited by Quest Diagnostics Nichols Institute San Juan Capistrano); PubMed 30476936 (cited by Quest Diagnostics Nichols Institute San Juan Capistrano).